The following is an entry in ClinVar:

NM_016628.5(WAC):c.1414C>A (p.Pro472Thr)

Gene: WAC (WW domain containing adaptor with coiled-coil; plus strand). Cytogenetic location: 10p12.1.
Variant type: single nucleotide variant.
Coding change: c.1414C>A on transcript NM_016628.5 (MANE Select); coding-DNA position 1414, C replaced by A.
Protein change: p.Pro472Thr; replaces proline 472 with threonine.
Molecular consequence: missense variant.
Genome position (GRCh38, 1-based): chr10:28,611,899, C>A. VCF-style: chr10-28611899-C-A. GRCh37 (hg19) VCF-style: chr10-28900828-C-A.
Other names: c.1279C>A, p.Pro427Thr (NM_100264.3); c.1105C>A, p.Pro369Thr (NM_100486.4); short protein forms P369T, P427T, P472T.
Identifiers: ClinVar variation 1177795 (VCV001177795.27), dbSNP rs143909998, ClinGen allele CA5455040.
Genomic context (GRCh38, chr10:28,611,899, plus strand): 5'-TCTCCAAGAATAAGCACACCTCAAACTAACACAGTCCCTATCAAACCTTTGATCAGTACT[C>A]CTCCTGTTTCATCACAGCCAAAGGTATGTCACCTTTGAGGGACATTCGGAAAAGAAACTA-3'
Protein context (NP_057712.2, residues 462-482): TVPIKPLIST[Pro472Thr]PVSSQPKVST

ClinVar aggregate classification (germline): Likely benign. Review status: criteria provided, multiple submitters, no conflicts (2 of 4 stars). 3 submissions from 3 submitters: Likely benign (2). 1 of the submissions does not count toward it. Last evaluated 2026-03-01.

Conditions:
WAC-related disorder. Also called: WAC-related condition.

Allele frequency attached by ClinVar (database versions not stated): ESP Exome Variant Server 0.00008; TOPMed 0.00011; gnomAD 0.00013 and 0.00014; gnomAD exomes 0.00015 and 0.00017; ExAC 0.00016.
gnomAD v4.1: 261 of 1,613,674 alleles (0.016%); highest among the groups gnomAD compares: Non-Finnish European, 0.02%; no homozygotes.

Submissions (3):

CeGaT Center for Human Genetics Tuebingen
Classification: Likely benign. Last evaluated: 2026-03-01. Review status: criteria provided, single submitter. Criteria: CeGaT Center For Human Genetics Tuebingen Variant Classification Criteria Version 2. Collection method: clinical testing. Allele origin: germline. Affected: yes. Observed: 2 variant alleles.
Comment: WAC: BS2

GeneDx
Classification: Likely benign. Last evaluated: 2021-05-20. Review status: criteria provided, single submitter. Criteria: GeneDx Variant Classification Process June 2021. Collection method: clinical testing. Allele origin: germline. Affected: yes.

PreventionGenetics, part of Exact Sciences
Classification: Likely benign for WAC-related condition. Last evaluated: 2023-01-05. Review status: no assertion criteria provided. Collection method: clinical testing. Allele origin: germline. Not counted in ClinVar's aggregate classification.
Comment: This variant is classified as likely benign based on ACMG/AMP sequence variant interpretation guidelines (Richards et al. 2015 PMID: 25741868, with internal and published modifications).